The following is an entry in ClinVar:

ClinVar aggregate classification (germline): Pathogenic (1 of 4 stars; one submission).

Conditions:
Senior-Loken syndrome 8 (SLSN8). Identifiers: Orphanet 3156, MedGen C4225376, MONDO:0014579, OMIM 616307.
Asphyxiating thoracic dystrophy 5 (SRTD5). Also called: SHORT-RIB THORACIC DYSPLASIA 5 WITH OR WITHOUT POLYDACTYLY; SHORT-RIB THORACIC DYSPLASIA 5 WITHOUT POLYDACTYLY. Identifiers: Orphanet 474, MedGen C3280598, MONDO:0013717, OMIM 614376.

Submission:

Labcorp Genetics (formerly Invitae), Labcorp
Classification: Pathogenic for Senior-Loken syndrome 8; Asphyxiating thoracic dystrophy 5. Last evaluated: 2022-04-09. Review status: criteria provided, single submitter. Criteria: Invitae Variant Classification Sherloc (09022015). Collection method: clinical testing. Allele origin: germline.
Comment: For these reasons, this variant has been classified as Pathogenic. This variant has not been reported in the literature in individuals affected with WDR19-related conditions. This variant is a gross deletion of the genomic region encompassing exon(s) 10-13 of the WDR19 gene. This deletion is out-of-frame, and is expected to create a premature termination codon and result in an absent or disrupted protein product. Loss-of-function variants in WDR19 are known to be pathogenic (PMID: 22019273, 23559409, 23683095, 26275793, 27241786, 29068549).

Literature cited by the submitters: PubMed 22019273; PubMed 23559409; PubMed 23683095; PubMed 26275793; PubMed 27241786; PubMed 29068549.

NC_000004.11:g.(?_39216201)_(39218880_?)del

Gene: WDR19 (WD repeat domain 19; plus strand). Cytogenetic location: 4p14.
Variant type: Deletion.
Identifiers: ClinVar variation 2426916 (VCV002426916.4).